The following is an entry in ClinVar:

NM_000069.3(CACNA1S):c.2226A>G (p.Pro742=)

Gene: CACNA1S (calcium voltage-gated channel subunit alpha1 S; minus strand). Cytogenetic location: 1q32.1.
Variant type: single nucleotide variant.
Coding change: c.2226A>G on transcript NM_000069.3 (MANE Select); coding-DNA position 2226, A replaced by G.
Protein change: p.Pro742=; no amino-acid change (proline 742 retained).
Molecular consequence: synonymous variant.
Genome position (GRCh38, 1-based): chr1:201,072,756, T>C on the plus strand (A>G on the coding strand, the complement: CACNA1S is on the minus strand). VCF-style: chr1-201072756-T-C. GRCh37 (hg19) VCF-style: chr1-201041884-T-C.
Identifiers: ClinVar variation 3069711 (VCV003069711.1), dbSNP rs1267324871, ClinGen allele CA422688331.

ClinVar aggregate classification (germline): Likely benign (1 of 4 stars; one submission).

Conditions:
Malignant hyperthermia, susceptibility to, 5 (MHS5). Also called: CACNA1S-Related Malignant Hyperthermia Susceptibility. Identifiers: Orphanet 423, MedGen C1866077, MONDO:0011163, OMIM 601887.

Allele frequency attached by ClinVar (database versions not stated): gnomAD exomes 0.00001.
gnomAD v4.1: 4 of 1,612,478 alleles (0.00025%); highest among the groups gnomAD compares: Admixed American, 0.0017%; no homozygotes.

Submission:

All of Us Research Program, National Institutes of Health
Classification: Likely benign for Malignant hyperthermia, susceptibility to, 5. Last evaluated: 2023-02-24. Review status: criteria provided, single submitter. Criteria: ACMG Guidelines, 2015. Collection method: clinical testing. Allele origin: germline. Inheritance: Autosomal dominant inheritance. Observed: 1 variant allele, 1 heterozygote.
Comment: This study involves interpretation of variants in research participants for the purpose of population health screening. Participant phenotype was not available at the time of variant classification. Additional details can be found in publication PMID: 35346344, PMCID: PMC8962531